The following is an entry in ClinVar:

ClinVar aggregate classification (germline): Uncertain significance (1 of 4 stars; one submission).

Conditions:
Hereditary insensitivity to pain with anhidrosis (CIPA). Also called: NTRK1 Congenital Insensitivity to Pain with Anhidrosis; FAMILIAL DYSAUTONOMIA, TYPE II; hereditary sensory and autonomic neuropathy type 4; INSENSITIVITY TO PAIN, CONGENITAL, WITH ANHIDROSIS; NEUROPATHY, CONGENITAL SENSORY, WITH ANHIDROSIS; HSAN Type IV. Identifiers: Orphanet 642, MedGen C0020074, MONDO:0009746, OMIM 256800.

Allele frequency attached by ClinVar (database versions not stated): gnomAD 0.00001; TOPMed 0.00002.
gnomAD v4.1: 5 of 1,609,646 alleles (0.00031%); highest among the groups gnomAD compares: African/African-American, 0.0027%; no homozygotes.

Submission:

Labcorp Genetics (formerly Invitae), Labcorp
Classification: Uncertain significance for Hereditary insensitivity to pain with anhidrosis. Last evaluated: 2021-11-05. Review status: criteria provided, single submitter. Criteria: Invitae Variant Classification Sherloc (09022015). Collection method: clinical testing. Allele origin: germline.
Comment: This sequence change replaces glutamic acid, which is acidic and polar, with aspartic acid, which is acidic and polar, at codon 761 of the NTRK1 protein (p.Glu761Asp). This variant is not present in population databases (gnomAD no frequency). This variant has not been reported in the literature in individuals affected with NTRK1-related conditions. Advanced modeling of protein sequence and biophysical properties (such as structural, functional, and spatial information, amino acid conservation, physicochemical variation, residue mobility, and thermodynamic stability) performed at Invitae indicates that this missense variant is not expected to disrupt NTRK1 protein function. In summary, the available evidence is currently insufficient to determine the role of this variant in disease. Therefore, it has been classified as a Variant of Uncertain Significance.

NM_002529.4(NTRK1):c.2301G>T (p.Glu767Asp)

Gene: NTRK1 (neurotrophic receptor tyrosine kinase 1; plus strand). Cytogenetic location: 1q23.1.
Variant type: single nucleotide variant.
Coding change: c.2301G>T on transcript NM_002529.4 (MANE Select); coding-DNA position 2301, G replaced by T.
Protein change: p.Glu767Asp; replaces glutamic acid 767 with aspartic acid.
Molecular consequence: missense variant.
Genome position (GRCh38, 1-based): chr1:156,881,552, G>T. VCF-style: chr1-156881552-G-T. GRCh37 (hg19) VCF-style: chr1-156851344-G-T.
Other names: c.2193G>T, p.Glu731Asp (NM_001007792.1); c.2283G>T, p.Glu761Asp (NM_001012331.2); short protein forms E761D, E767D, E731D.
Identifiers: ClinVar variation 1502714 (VCV001502714.3), dbSNP rs753397054, ClinGen allele CA31126179.